The following is an entry in ClinVar:

NM_000059.4(BRCA2):c.556G>C (p.Ala186Pro)

Gene: BRCA2 (BRCA2 DNA repair associated; plus strand). Cytogenetic location: 13q13.1.
Variant type: single nucleotide variant.
Coding change: c.556G>C on transcript NM_000059.4 (MANE Select); coding-DNA position 556, G replaced by C.
Protein change: p.Ala186Pro; replaces alanine 186 with proline.
Molecular consequence: missense variant.
Genome position (GRCh38, 1-based): chr13:32,326,538, G>C. VCF-style: chr13-32326538-G-C. GRCh37 (hg19) VCF-style: chr13-32900675-G-C.
Other names: short protein forms A186P.
Identifiers: ClinVar variation 491292 (VCV000491292.17), dbSNP rs1217007370, ClinGen allele CA387757917.

ClinVar aggregate classification (germline): Uncertain significance. Review status: criteria provided, multiple submitters, no conflicts (2 of 4 stars). 4 submissions from 4 submitters: Uncertain significance (4). Last evaluated 2025-07-10.

Conditions:
Hereditary cancer-predisposing syndrome. Also called: Hereditary neoplastic syndrome; Tumor predisposition; Hereditary Cancer Syndrome; Neoplastic Syndromes, Hereditary. Identifiers: Orphanet 140162, MedGen C0027672, MeSH D009386, MONDO:0015356.
Hereditary breast ovarian cancer syndrome. Also called: Hereditary breast and/or ovarian cancer syndrome; BRCA1- and BRCA2-Associated Hereditary Breast and Ovarian Cancer; Breast and ovarian cancer; Hereditary breast and ovarian cancer; Hereditary breast and ovarian cancer syndrome; Hereditary breast and ovarian cancer syndrome (HBOC). Identifiers: Orphanet 145, MedGen C0677776, MeSH D061325, MONDO:0003582. Disease mechanism: loss of function.

Allele frequency attached by ClinVar (database versions not stated): TOPMed 0.00002.
gnomAD v4.1: 1 of 1,614,012 alleles (0.000062%); highest among the groups gnomAD compares: Non-Finnish European, 0.000085%; no homozygotes.

Submissions (4):

Color Diagnostics, LLC DBA Color Health
Classification: Uncertain significance for Hereditary cancer-predisposing syndrome. Last evaluated: 2025-07-10. Review status: criteria provided, single submitter. Criteria: ACMG Guidelines, 2015. Collection method: clinical testing. Allele origin: germline.
Comment: This missense variant replaces alanine with proline at codon 186 of the BRCA2 protein. Computational prediction suggests that this variant may not impact protein structure and function. To our knowledge, functional studies have not been reported for this variant. This variant has been reported in a suspected hereditary breast cancer family (PMID: 27886673). This variant has not been identified in the general population by the Genome Aggregation Database (gnomAD). The available evidence is insufficient to determine the role of this variant in disease conclusively. Therefore, this variant is classified as a Variant of Uncertain Significance.

Labcorp Genetics (formerly Invitae), Labcorp
Classification: Uncertain significance for Hereditary breast ovarian cancer syndrome. Last evaluated: 2025-05-15. Review status: criteria provided, single submitter. Criteria: Invitae Variant Classification Sherloc (09022015). Collection method: clinical testing. Allele origin: germline.
Comment: This sequence change replaces alanine, which is neutral and non-polar, with proline, which is neutral and non-polar, at codon 186 of the BRCA2 protein (p.Ala186Pro). This variant is not present in population databases (gnomAD no frequency). This missense change has been observed in individual(s) with clinical features of BRCA2-related conditions (PMID: 27886673). ClinVar contains an entry for this variant (Variation ID: 491292). Invitae Evidence Modeling of protein sequence and biophysical properties (such as structural, functional, and spatial information, amino acid conservation, physicochemical variation, residue mobility, and thermodynamic stability) indicates that this missense variant is not expected to disrupt BRCA2 protein function with a negative predictive value of 95%. In summary, the available evidence is currently insufficient to determine the role of this variant in disease. Therefore, it has been classified as a Variant of Uncertain Significance.

Ambry Genetics
Classification: Uncertain significance for Hereditary cancer-predisposing syndrome. Last evaluated: 2024-12-19. Review status: criteria provided, single submitter. Criteria: Ambry Variant Classification Scheme 2023. Collection method: clinical testing. Allele origin: germline.
Comment: The p.A186P variant (also known as c.556G>C), located in coding exon 6 of the BRCA2 gene, results from a G to C substitution at nucleotide position 556. The alanine at codon 186 is replaced by proline, an amino acid with highly similar properties. This variant was identified in a cohort of 3,579 African males diagnosed with prostate cancer who underwent multi-gene panel testing of 19 DNA repair and cancer predisposition genes (Matejcic M et al. JCO Precis Oncol, 2020 Jan;4:32-43). This amino acid position is highly conserved in available vertebrate species. In addition, this alteration is predicted to be tolerated by in silico analysis. Based on the available evidence, the clinical significance of this variant remains unclear.

Mendelics
Classification: Uncertain significance. Last evaluated: 2022-05-04. Review status: criteria provided, single submitter. Criteria: Mendelics Assertion Criteria 2019. Collection method: clinical testing. Allele origin: germline.

Literature cited by the submitters: PubMed 27886673 (cited by Color Diagnostics, LLC DBA Color Health and Labcorp Genetics (formerly Invitae), Labcorp); PubMed 32832836 (cited by Ambry Genetics).